The following is an entry in ClinVar:

NM_004924.6(ACTN4):c.1600G>A (p.Ala534Thr)

Gene: ACTN4 (actinin alpha 4; plus strand). Cytogenetic location: 19q13.2.
Variant type: single nucleotide variant.
Coding change: c.1600G>A on transcript NM_004924.6 (MANE Select); coding-DNA position 1600, G replaced by A.
Protein change: p.Ala534Thr; replaces alanine 534 with threonine.
Molecular consequence: missense variant.
Genome position (GRCh38, 1-based): chr19:38,723,985, G>A. VCF-style: chr19-38723985-G-A. GRCh37 (hg19) VCF-style: chr19-39214625-G-A.
Other names: c.1600G>A, p.Ala534Thr (NM_001322033.2, NM_001411143.1, NM_001440296.1 and 2 more transcripts); c.1348G>A, p.Ala450Thr (NM_001440299.1); short protein forms A450T, A534T.
Identifiers: ClinVar variation 4537805 (VCV004537805.1).

ClinVar aggregate classification (germline): Uncertain significance (1 of 4 stars; one submission).

gnomAD v4.1: 5 of 1,613,414 alleles (0.00031%); highest among the groups gnomAD compares: African/African-American, 0.0013%; no homozygotes.

Submission:

GeneDx
Classification: Uncertain significance. Last evaluated: 2025-06-13. Review status: criteria provided, single submitter. Criteria: GeneDx Variant Classification Process June 2021. Collection method: clinical testing. Allele origin: germline. Affected: yes.
Comment: Not observed at significant frequency in large population cohorts (gnomAD); In silico analysis supports that this missense variant has a deleterious effect on protein structure/function; Has not been previously published as pathogenic or benign to our knowledge